The following is an entry in ClinVar:

ClinVar aggregate classification (germline): Likely benign (1 of 4 stars; one submission).

Allele frequency attached by ClinVar (database versions not stated): gnomAD 0.03125 and 0.03352; TOPMed 0.03166; 1000 Genomes Project 30x 0.04825; 1000 Genomes Project 0.05072.
gnomAD v4.1: 5,078 of 151,576 alleles (3.4%); highest among the groups gnomAD compares: East Asian, 11%; 129 homozygotes.

Submission:

GeneDx
Classification: Likely benign. Last evaluated: 2018-06-14. Review status: criteria provided, single submitter. Criteria: GeneDx Variant Classification (06012015). Collection method: clinical testing. Allele origin: germline. Affected: yes.
Comment: This variant is considered likely benign or benign based on one or more of the following criteria: it is a conservative change, it occurs at a poorly conserved position in the protein, it is predicted to be benign by multiple in silico algorithms, and/or has population frequency not consistent with disease.

NM_001083961.2(WDR62):c.2467+219G>A

Gene: WDR62 (WD repeat domain 62; plus strand). Cytogenetic location: 19q13.12.
Variant type: single nucleotide variant.
Coding change: c.2467+219G>A on transcript NM_001083961.2 (MANE Select); 219 bases into the intron after coding-DNA position 2467, G replaced by A.
Molecular consequence: intron variant.
Genome position (GRCh38, 1-based): chr19:36,094,383, G>A. VCF-style: chr19-36094383-G-A. GRCh37 (hg19) VCF-style: chr19-36585285-G-A.
Other names: c.2467+219G>A (NM_173636.5).
Identifiers: ClinVar variation 672333 (VCV000672333.1), dbSNP rs76093100, ClinGen allele CA14744637.